The following is an entry in ClinVar:

ClinVar aggregate classification (germline): Uncertain significance (1 of 4 stars; one submission).

Conditions:
Epilepsy, familial adult myoclonic, 5 (EPEO5). Also called: CORTICAL MYOCLONIC TREMOR WITH EPILEPSY, FAMILIAL, 5. Identifiers: Orphanet 86814, MedGen C3809374, MONDO:0014167, OMIM 615400.

Submission:

Labcorp Genetics (formerly Invitae), Labcorp
Classification: Uncertain significance for Epilepsy, familial adult myoclonic, 5. Last evaluated: 2021-12-08. Review status: criteria provided, single submitter. Criteria: Invitae Variant Classification Sherloc (09022015). Collection method: clinical testing. Allele origin: germline.
Comment: This sequence change falls in intron 18 of the CNTN2 gene. It does not directly change the encoded amino acid sequence of the CNTN2 protein. It affects a nucleotide within the consensus splice site. This variant is not present in population databases (gnomAD no frequency). This variant has not been reported in the literature in individuals affected with CNTN2-related conditions. Variants that disrupt the consensus splice site are a relatively common cause of aberrant splicing (PMID: 17576681, 9536098). Algorithms developed to predict the effect of sequence changes on RNA splicing suggest that this variant is not likely to affect RNA splicing. In summary, the available evidence is currently insufficient to determine the role of this variant in disease. Therefore, it has been classified as a Variant of Uncertain Significance.

Literature cited by the submitters: PubMed 17576681; PubMed 9536098.

NM_005076.5(CNTN2):c.2431+4G>A

Gene: CNTN2 (contactin 2; plus strand). Cytogenetic location: 1q32.1.
Variant type: single nucleotide variant.
Coding change: c.2431+4G>A on transcript NM_005076.5 (MANE Select); 4 bases into the intron after coding-DNA position 2431, G replaced by A.
Molecular consequence: intron variant.
Genome position (GRCh38, 1-based): chr1:205,070,065, G>A. VCF-style: chr1-205070065-G-A. GRCh37 (hg19) VCF-style: chr1-205039193-G-A.
Other names: c.2431+4G>A (NM_001346083.2).
Identifiers: ClinVar variation 1368350 (VCV001368350.6), dbSNP rs2151198657, ClinGen allele CA2573131488.